The following is an entry in ClinVar:

NM_001130438.3(SPTAN1):c.2282C>T (p.Ala761Val)

Gene: SPTAN1 (spectrin alpha, non-erythrocytic 1; plus strand). Cytogenetic location: 9q34.11.
Variant type: single nucleotide variant.
Coding change: c.2282C>T on transcript NM_001130438.3 (MANE Select); coding-DNA position 2282, C replaced by T.
Protein change: p.Ala761Val; replaces alanine 761 with valine.
Molecular consequence: missense variant.
Genome position (GRCh38, 1-based): chr9:128,584,370, C>T. VCF-style: chr9-128584370-C-T. GRCh37 (hg19) VCF-style: chr9-131346649-C-T.
Other names: c.2282C>T, p.Ala761Val (NM_001195532.2, NM_001363759.2, NM_001363765.2 and 5 more transcripts); c.2318C>T, p.Ala773Val (NM_001375312.2, NM_001375318.1); short protein forms A761V, A773V.
Identifiers: ClinVar variation 1446114 (VCV001446114.10), dbSNP rs770359554, ClinGen allele CA5264605.

ClinVar aggregate classification (germline): Uncertain significance. Review status: criteria provided, multiple submitters, no conflicts (2 of 4 stars). 2 submissions from 2 submitters: Uncertain significance (2). Last evaluated 2025-05-05.

Conditions:
Early-infantile DEE. Also called: Early infantile epileptic encephalopathy; Ohtahara syndrome; Early infantile epileptic encephalopathy with suppression bursts. Identifiers: Orphanet 1934, MedGen C0393706, MONDO:0800491.

gnomAD v4.1: 1 of 1,614,162 alleles (0.000062%); no homozygotes.

Submissions (2):

Labcorp Genetics (formerly Invitae), Labcorp
Classification: Uncertain significance for Early-infantile DEE. Last evaluated: 2025-05-05. Review status: criteria provided, single submitter. Criteria: Invitae Variant Classification Sherloc (09022015). Collection method: clinical testing. Allele origin: germline.
Comment: This sequence change replaces alanine, which is neutral and non-polar, with valine, which is neutral and non-polar, at codon 761 of the SPTAN1 protein (p.Ala761Val). This variant is not present in population databases (gnomAD no frequency). This variant has not been reported in the literature in individuals affected with SPTAN1-related conditions. ClinVar contains an entry for this variant (Variation ID: 1446114). Invitae Evidence Modeling of protein sequence and biophysical properties (such as structural, functional, and spatial information, amino acid conservation, physicochemical variation, residue mobility, and thermodynamic stability) has been performed for this missense variant. However, the output from this modeling did not meet the statistical confidence thresholds required to predict the impact of this variant on SPTAN1 protein function. In summary, the available evidence is currently insufficient to determine the role of this variant in disease. Therefore, it has been classified as a Variant of Uncertain Significance.

GeneDx
Classification: Uncertain significance. Last evaluated: 2022-07-05. Review status: criteria provided, single submitter. Criteria: GeneDx Variant Classification Process June 2021. Collection method: clinical testing. Allele origin: germline. Affected: yes.
Comment: Not observed at significant frequency in large population cohorts (gnomAD); In silico analysis supports that this missense variant has a deleterious effect on protein structure/function; Has not been previously published as pathogenic or benign to our knowledge